The following is an entry in ClinVar:

NM_000152.5(GAA):c.-32-385_143del

Gene: GAA (alpha glucosidase; plus strand). Cytogenetic location: 17q25.3.
Variant type: Deletion.
Coding change: c.-32-385_143del on transcript NM_000152.5 (MANE Select); 385 bases into the intron before 32 bases upstream of the start codon through coding-DNA position 143, 560 bases deleted.
Molecular consequence: splice acceptor variant, initiator codon variant.
Genome position (GRCh38, 1-based): chr17:80,104,170-80,104,729, 560 bases deleted. GRCh37 (hg19): chr17:78,077,969-78,078,528.
Other names: c.-32-385_143del (NM_001406741.1, NM_001406742.1, NM_001079803.3 and 1 more transcripts).
Identifiers: ClinVar variation 2745468 (VCV002745468.3), dbSNP rs2510342858, ClinGen allele CA2697555214.

ClinVar aggregate classification (germline): Pathogenic (1 of 4 stars; one submission).

Conditions:
Glycogen storage disease, type II (IOPD). Also called: Glucosidase acid-1,4-alpha deficiency; Pompe Disease; POMPE DISEASE, INFANTILE-ONSET; GLYCOGEN STORAGE DISEASE II, INFANTILE-ONSET; ACID ALPHA-GLUCOSIDASE DEFICIENCY, INFANTILE-ONSET; GAA DEFICIENCY, INFANTILE-ONSET. Identifiers: Orphanet 365, MedGen C0017921, MONDO:0009290, OMIM 232300.

Submission:

Labcorp Genetics (formerly Invitae), Labcorp
Classification: Pathogenic for Glycogen storage disease, type II. Last evaluated: 2023-07-19. Review status: criteria provided, single submitter. Criteria: Invitae Variant Classification Sherloc (09022015). Collection method: clinical testing. Allele origin: germline.
Comment: This sequence change affects the initiator methionine of the GAA mRNA. The next in-frame methionine is located at codon 122. This variant is not present in population databases (gnomAD no frequency). This variant has not been reported in the literature in individuals affected with GAA-related conditions. This variant disrupts a region of the GAA protein in which other variant(s) (p.Met1?) have been determined to be pathogenic (PMID: 18425781, 22252923, 29124014, 29422078, 31086307). This suggests that this is a clinically significant region of the protein, and that variants that disrupt it are likely to be disease-causing. For these reasons, this variant has been classified as Pathogenic.

Literature cited by the submitters: PubMed 18425781; PubMed 22252923; PubMed 29124014; PubMed 29422078; PubMed 31086307.